The following is an entry in ClinVar:

ClinVar aggregate classification (germline): Pathogenic (1 of 4 stars; one submission).

Conditions:
LAMA2-related muscular dystrophy (LAMA2-RD). Also called: Laminin alpha 2-related dystrophy. Identifiers: MedGen C5679788, MONDO:0100228.

Submission:

Labcorp Genetics (formerly Invitae), Labcorp
Classification: Pathogenic for LAMA2-related muscular dystrophy. Last evaluated: 2023-01-14. Review status: criteria provided, single submitter. Criteria: Invitae Variant Classification Sherloc (09022015). Collection method: clinical testing. Allele origin: germline.
Comment: For these reasons, this variant has been classified as Pathogenic. This variant disrupts a region of the LAMA2 protein in which other variant(s) (p.Gly59Glu) have been determined to be pathogenic (PMID: 33124102; Invitae). This suggests that this is a clinically significant region of the protein, and that variants that disrupt it are likely to be disease-causing. This variant has not been reported in the literature in individuals affected with LAMA2-related conditions. This variant is a gross deletion of the genomic region encompassing exon(s) 2 of the LAMA2 gene. This variant would be expected to be in-frame, preserving the integrity of the reading frame.

Literature cited by the submitters: PubMed 33124102.

NC_000006.11:g.(?_129371043)_(129371253_?)del

Gene: LAMA2 (laminin subunit alpha 2; plus strand). Cytogenetic location: 6q22.33.
Variant type: Deletion.
Identifiers: ClinVar variation 1409608 (VCV001409608.5).